The following is an entry in ClinVar:

ClinVar aggregate classification (germline): Uncertain significance (1 of 4 stars; one submission).

Allele frequency attached by ClinVar (database versions not stated): gnomAD exomes below 0.00001.
gnomAD v4.1: 1 of 1,614,182 alleles (0.000062%); highest among the groups gnomAD compares: Non-Finnish European, 0.000085%; no homozygotes.

Submission:

Labcorp Genetics (formerly Invitae), Labcorp
Classification: Uncertain significance. Last evaluated: 2022-10-29. Review status: criteria provided, single submitter. Criteria: Invitae Variant Classification Sherloc (09022015). Collection method: clinical testing. Allele origin: germline.
Comment: In summary, the available evidence is currently insufficient to determine the role of this variant in disease. Therefore, it has been classified as a Variant of Uncertain Significance. Algorithms developed to predict the effect of missense changes on protein structure and function (SIFT, PolyPhen-2, Align-GVGD) all suggest that this variant is likely to be disruptive. This variant has not been reported in the literature in individuals affected with KLHL7-related conditions. This variant is not present in population databases (gnomAD no frequency). This sequence change replaces tryptophan, which is neutral and slightly polar, with cysteine, which is neutral and slightly polar, at codon 410 of the KLHL7 protein (p.Trp410Cys).

NM_001031710.3(KLHL7):c.1230G>C (p.Trp410Cys)

Gene: KLHL7 (kelch like family member 7; plus strand). Cytogenetic location: 7p15.3.
Variant type: single nucleotide variant.
Coding change: c.1230G>C on transcript NM_001031710.3 (MANE Select); coding-DNA position 1230, G replaced by C.
Protein change: p.Trp410Cys; replaces tryptophan 410 with cysteine.
Molecular consequence: missense variant. On other transcripts: non-coding transcript variant (1).
Genome position (GRCh38, 1-based): chr7:23,167,888, G>C. VCF-style: chr7-23167888-G-C. GRCh37 (hg19) VCF-style: chr7-23207507-G-C.
Other names: c.1086G>C, p.Trp362Cys (NM_018846.5); short protein forms W362C, W410C.
Identifiers: ClinVar variation 2810558 (VCV002810558.3), dbSNP rs2534929420, ClinGen allele CA366981771.
Genomic context (GRCh38, chr7:23,167,888, plus strand): 5'-TTTTACAGGAAACTCAGCTCTGTATTTATTTGAGTGCTATGATACGAGAACTGAAAGCTG[G>C]CACACAAAGCCCAGCATGCTGACCCAGCGCTGCAGCCATGGGATGGTGGAAGCCAATGGC-3'
Protein context (NP_001026880.2, residues 400-420): FECYDTRTES[Trp410Cys]HTKPSMLTQR